The following is an entry in ClinVar:

NM_006618.5(KDM5B):c.3585C>A (p.Cys1195Ter)

Gene: KDM5B (lysine demethylase 5B; minus strand). Cytogenetic location: 1q32.1.
Variant type: single nucleotide variant.
Coding change: c.3585C>A on transcript NM_006618.5 (MANE Select); coding-DNA position 3585, C replaced by A.
Protein change: p.Cys1195Ter; replaces cysteine 1195 with a stop codon.
Molecular consequence: nonsense.
Genome position (GRCh38, 1-based): chr1:202,733,725, G>T on the plus strand (C>A on the coding strand, the complement: KDM5B is on the minus strand). VCF-style: chr1-202733725-G-T. GRCh37 (hg19) VCF-style: chr1-202702853-G-T.
Other names: c.3693C>A, p.Cys1231Ter (NM_001314042.2); c.3450C>A, p.Cys1150Ter (NM_001347591.2); c.3570C>A, p.Cys1190Ter (NM_001399817.1); short protein forms C1150*, C1190*, C1195*, C1231*.
Identifiers: ClinVar variation 4813832 (VCV004813832.1).

ClinVar aggregate classification (germline): Likely pathogenic (1 of 4 stars; one submission).

Conditions:
Intellectual developmental disorder, autosomal recessive 65. Also called: MENTAL RETARDATION, AUTOSOMAL RECESSIVE 65; Intellectual disability, autosomal recessive 65. Identifiers: MedGen C4748219, MONDO:0020850, OMIM 618109.

Submission:

Variantyx, Inc.
Classification: Likely pathogenic for Intellectual developmental disorder, autosomal recessive 65. Last evaluated: 2025-06-17. Review status: criteria provided, single submitter. Criteria: Variantyx Assertion Criteria 2022. Collection method: clinical testing. Allele origin: germline. Inheritance: Autosomal recessive inheritance.
Comment: This is a nonsense variant in the KDM5B gene (OMIM: 605393). Pathogenic variants in this gene have been associated with autosomal recessive intellectual developmental disorder 65. This variant introduces a premature termination codon in exon 23 out of 27 and is expected to result in loss of function, which is a known disease mechanism for KDM5B in this disorder (PVS1). This variant is absent from control populations (PM2) and it has not been previously reported in individuals with KDM5B-related disorders in the databases available for review. Based on the current evidence, this variant is classified as likely pathogenic for autosomal recessive intellectual developmental disorder 65.

Literature cited by the submitters: PubMed 30217758.